The following is an entry in ClinVar:

Conditions:
Long QT syndrome 5 (LQT5). Identifiers: Orphanet 101016, Orphanet 768, MedGen C1867904, MONDO:0013372, OMIM 613695.

Submission:

Roden Lab, Vanderbilt University Medical Center
No classification provided (evidence only). Condition: Long QT syndrome 5. Review status: no classification provided. Collection method: in vitro. Allele origin: not applicable. Functional consequence: Effect on ion channel function.
ClinVar note: "not provided" was previously submitted as the classification for the variant. However, the classification appeared to be based only on an observation of functional data so it was converted to no classification on 2025-07-30.

NM_000219.6(KCNE1):c.376A>G (p.Lys126Glu)

Gene: KCNE1 (potassium voltage-gated channel subfamily E regulatory subunit 1; minus strand). Cytogenetic location: 21q22.12.
Variant type: single nucleotide variant.
Coding change: c.376A>G on transcript NM_000219.6 (MANE Select); coding-DNA position 376, A replaced by G.
Protein change: p.Lys126Glu; replaces lysine 126 with glutamic acid.
Molecular consequence: missense variant.
Genome position (GRCh38, 1-based): chr21:34,449,259, T>C on the plus strand (A>G on the coding strand, the complement: KCNE1 is on the minus strand). VCF-style: chr21-34449259-T-C. GRCh37 (hg19) VCF-style: chr21-35821557-T-C.
Other names: c.376A>G, p.Lys126Glu (NM_001127668.4, NM_001127669.4, NM_001127670.4 and 4 more transcripts); short protein forms K126E.
Identifiers: ClinVar variation 3373858 (VCV003373858.2).